The following is an entry in ClinVar:

NM_145649.5(GCNT2):c.926-35733C>A

Gene: GCNT2 (glucosaminyl (N-acetyl) transferase 2 (I blood group); plus strand). Cytogenetic location: 6p24.3.
Variant type: single nucleotide variant.
Coding change: c.926-35733C>A on transcript NM_145649.5 (MANE Select); 35733 bases into the intron before coding-DNA position 926, C replaced by A.
Molecular consequence: intron variant.
Genome position (GRCh38, 1-based): chr6:10,585,618, C>A. VCF-style: chr6-10585618-C-A. GRCh37 (hg19) VCF-style: chr6-10585851-C-A.
Other names: c.926-35733C>A (NM_001374747.1); c.919+28276C>A (NM_001491.3).
Identifiers: ClinVar variation 1706920 (VCV001706920.2), dbSNP rs116608304, ClinGen allele CA134081038.

ClinVar aggregate classification (germline): Likely benign (1 of 4 stars; one submission).

Allele frequency attached by ClinVar (database versions not stated): 1000 Genomes Project 30x 0.01062; 1000 Genomes Project 0.01138.
gnomAD v4.1: 1,135 of 314,558 alleles (0.36%); highest among the groups gnomAD compares: African/African-American, 2.3%; 15 homozygotes.

Submission:

GeneDx
Classification: Likely benign. Last evaluated: 2021-11-02. Review status: criteria provided, single submitter. Criteria: GeneDx Variant Classification Process June 2021. Collection method: clinical testing. Allele origin: germline. Affected: yes.
Comment: See Variant Classification Assertion Criteria.